The following is an entry in ClinVar:

NM_000260.4(MYO7A):c.1443C>A (p.Ser481Arg)

Gene: MYO7A (myosin VIIA; plus strand). Cytogenetic location: 11q13.5.
Variant type: single nucleotide variant.
Coding change: c.1443C>A on transcript NM_000260.4 (MANE Select); coding-DNA position 1443, C replaced by A.
Protein change: p.Ser481Arg; replaces serine 481 with arginine.
Molecular consequence: missense variant.
Genome position (GRCh38, 1-based): chr11:77,162,219, C>A. VCF-style: chr11-77162219-C-A. GRCh37 (hg19) VCF-style: chr11-76873265-C-A.
Other names: c.1443C>A, p.Ser481Arg (NM_001127180.2); c.1410C>A, p.Ser470Arg (NM_001369365.1); short protein forms S470R, S481R.
Identifiers: ClinVar variation 3703434 (VCV003703434.1).
Genomic context (GRCh38, chr11:77,162,219, plus strand): 5'-GCAGCAGTTCTTTGTGCGGCACGTGTTCAAGCTGGAGCAGGAGGAATATGACCTGGAGAG[C>A]ATTGACTGGCTGCACATCGAGTTCACTGACAACCAGGATGCCCTGGACATGATTGCCAAC-3'
Protein context (NP_000251.3, residues 471-491): KLEQEEYDLE[Ser481Arg]IDWLHIEFTD

ClinVar aggregate classification (germline): Uncertain significance (1 of 4 stars; one submission).

gnomAD v4.1: 18 of 1,583,114 alleles (0.0011%); highest among the groups gnomAD compares: African/African-American, 0.012%; no homozygotes.

Submission:

Labcorp Genetics (formerly Invitae), Labcorp
Classification: Uncertain significance. Last evaluated: 2024-10-21. Review status: criteria provided, single submitter. Criteria: Invitae Variant Classification Sherloc (09022015). Collection method: clinical testing. Allele origin: germline.
Comment: This sequence change replaces serine, which is neutral and polar, with arginine, which is basic and polar, at codon 481 of the MYO7A protein (p.Ser481Arg). The frequency data for this variant in the population databases is considered unreliable, as metrics indicate poor data quality at this position in the gnomAD database. This variant has not been reported in the literature in individuals affected with MYO7A-related conditions. Invitae Evidence Modeling of protein sequence and biophysical properties (such as structural, functional, and spatial information, amino acid conservation, physicochemical variation, residue mobility, and thermodynamic stability) indicates that this missense variant is not expected to disrupt MYO7A protein function with a negative predictive value of 95%. In summary, the available evidence is currently insufficient to determine the role of this variant in disease. Therefore, it has been classified as a Variant of Uncertain Significance.